The following is an entry in ClinVar:

NM_004006.3(DMD):c.9355C>T (p.Leu3119Phe)

Gene: DMD (dystrophin; minus strand). Cytogenetic location: Xp21.2.
Variant type: single nucleotide variant.
Coding change: c.9355C>T on transcript NM_004006.3 (MANE Select); coding-DNA position 9355, C replaced by T.
Protein change: p.Leu3119Phe; replaces leucine 3119 with phenylalanine.
Molecular consequence: missense variant.
Genome position (GRCh38, 1-based): chrX:31,223,053, G>A on the plus strand (C>T on the coding strand, the complement: DMD is on the minus strand). VCF-style: chrX-31223053-G-A. GRCh37 (hg19) VCF-style: chrX-31241170-G-A.
Other names: c.9331C>T, p.Leu3111Phe (NM_000109.4); c.9343C>T, p.Leu3115Phe (NM_004009.3); c.8986C>T, p.Leu2996Phe (NM_004010.3); c.5332C>T, p.Leu1778Phe (NM_004011.4); c.5323C>T, p.Leu1775Phe (NM_004012.4); c.1975C>T, p.Leu659Phe (NM_004013.3, NM_004020.4, NM_004021.3 and 2 more transcripts); c.1168C>T, p.Leu390Phe (NM_004014.3); c.151C>T, p.Leu51Phe (NM_004015.3, NM_004016.3, NM_004017.3 and 2 more transcripts); short protein forms L3119F, L1775F, L1778F, L2996F, L390F, L3111F, L51F, L659F.
Identifiers: ClinVar variation 3634793 (VCV003634793.2).

ClinVar aggregate classification (germline): Uncertain significance (1 of 4 stars; one submission).

Conditions:
Duchenne muscular dystrophy (DMD). Also called: MUSCULAR DYSTROPHY, PSEUDOHYPERTROPHIC PROGRESSIVE, DUCHENNE TYPE; Duchenne Muscular Dystrophy (DMD). Identifiers: Orphanet 98896, MedGen C0013264, MONDO:0010679, OMIM 310200.

gnomAD v4.1: 1 of 1,207,651 alleles (0.000083%); highest among the groups gnomAD compares: Non-Finnish European, 0.00011%; no homozygotes.

Submission:

Labcorp Genetics (formerly Invitae), Labcorp
Classification: Uncertain significance for Duchenne muscular dystrophy. Last evaluated: 2024-12-31. Review status: criteria provided, single submitter. Criteria: Invitae Variant Classification Sherloc (09022015). Collection method: clinical testing. Allele origin: germline.
Comment: This sequence change replaces leucine, which is neutral and non-polar, with phenylalanine, which is neutral and non-polar, at codon 3119 of the DMD protein (p.Leu3119Phe). This variant is not present in population databases (gnomAD no frequency). This variant has not been reported in the literature in individuals affected with DMD-related conditions. Invitae Evidence Modeling of protein sequence and biophysical properties (such as structural, functional, and spatial information, amino acid conservation, physicochemical variation, residue mobility, and thermodynamic stability) indicates that this missense variant is not expected to disrupt DMD protein function with a negative predictive value of 95%. In summary, the available evidence is currently insufficient to determine the role of this variant in disease. Therefore, it has been classified as a Variant of Uncertain Significance.